The following is an entry in ClinVar:

NM_001165963.4(SCN1A):c.2641A>G (p.Lys881Glu)

Gene: SCN1A (sodium voltage-gated channel alpha subunit 1; minus strand). Cytogenetic location: 2q24.3.
Variant type: single nucleotide variant.
Coding change: c.2641A>G on transcript NM_001165963.4 (MANE Select); coding-DNA position 2641, A replaced by G.
Protein change: p.Lys881Glu; replaces lysine 881 with glutamic acid.
Molecular consequence: missense variant. On other transcripts: non-coding transcript variant (1).
Genome position (GRCh38, 1-based): chr2:166,038,081, T>C on the plus strand (A>G on the coding strand, the complement: SCN1A is on the minus strand). VCF-style: chr2-166038081-T-C. GRCh37 (hg19) VCF-style: chr2-166894591-T-C.
Other names: c.2557A>G, p.Lys853Glu (NM_001165964.3, NM_001353957.2, NM_001353958.2); c.2641A>G, p.Lys881Glu (NM_001202435.3, NM_001353948.2); c.2608A>G, p.Lys870Glu (NM_001353949.2, NM_001353950.2, NM_001353951.2 and 2 more transcripts); c.2605A>G, p.Lys869Glu (NM_001353954.2, NM_001353955.2); c.2554A>G, p.Lys852Glu (NM_001353960.2); c.199A>G, p.Lys67Glu (NM_001353961.2); short protein forms K67E, K852E, K853E, K869E, K881E, K870E.
Identifiers: ClinVar variation 1358413 (VCV001358413.9), dbSNP rs1553541502, ClinGen allele CA349061689.

ClinVar aggregate classification (germline): Uncertain significance (1 of 4 stars; one submission).

Conditions:
Early-infantile DEE. Also called: Early infantile epileptic encephalopathy with suppression bursts; Early infantile epileptic encephalopathy; Ohtahara syndrome. Identifiers: Orphanet 1934, MedGen C0393706, MONDO:0800491.

Submission:

Labcorp Genetics (formerly Invitae), Labcorp
Classification: Uncertain significance for Early-infantile DEE. Last evaluated: 2024-11-11. Review status: criteria provided, single submitter. Criteria: Invitae Variant Classification Sherloc (09022015). Collection method: clinical testing. Allele origin: germline.
Comment: This sequence change replaces lysine, which is basic and polar, with glutamic acid, which is acidic and polar, at codon 881 of the SCN1A protein (p.Lys881Glu). This variant is not present in population databases (gnomAD no frequency). This variant has not been reported in the literature in individuals affected with SCN1A-related conditions. ClinVar contains an entry for this variant (Variation ID: 1358413). Invitae Evidence Modeling of protein sequence and biophysical properties (such as structural, functional, and spatial information, amino acid conservation, physicochemical variation, residue mobility, and thermodynamic stability) indicates that this missense variant is expected to disrupt SCN1A protein function with a positive predictive value of 95%. In summary, the available evidence is currently insufficient to determine the role of this variant in disease. Therefore, it has been classified as a Variant of Uncertain Significance.